The following is an entry in ClinVar:

ClinVar aggregate classification (germline): Likely pathogenic (1 of 4 stars; one submission).

Submission:

Labcorp Genetics (formerly Invitae), Labcorp
Classification: Likely pathogenic. Last evaluated: 2021-12-03. Review status: criteria provided, single submitter. Criteria: Invitae Variant Classification Sherloc (09022015). Collection method: clinical testing. Allele origin: germline.
Comment: This sequence change affects a donor splice site in intron 13 of the CDH3 gene. It is expected to disrupt RNA splicing. Variants that disrupt the donor or acceptor splice site typically lead to a loss of protein function (PMID: 16199547), and loss-of-function variants in CDH3 are known to be pathogenic (PMID: 15805154, 27386845, 29620724). This variant is not present in population databases (gnomAD no frequency). Disruption of this splice site has been observed in individual(s) with hypotrichosis (Invitae). In summary, the currently available evidence indicates that the variant is pathogenic, but additional data are needed to prove that conclusively. Therefore, this variant has been classified as Likely Pathogenic.

Literature cited by the submitters: PubMed 16199547; PubMed 15805154; PubMed 27386845; PubMed 29620724.

NM_001793.6(CDH3):c.2002+2T>G

Gene: CDH3 (cadherin 3; plus strand). Cytogenetic location: 16q22.1.
Variant type: single nucleotide variant.
Coding change: c.2002+2T>G on transcript NM_001793.6 (MANE Select); the canonical splice donor site of the intron after coding-DNA position 2002, T replaced by G.
Molecular consequence: splice donor variant.
Genome position (GRCh38, 1-based): chr16:68,691,928, T>G. VCF-style: chr16-68691928-T-G. GRCh37 (hg19) VCF-style: chr16-68725831-T-G.
Other names: c.1837+2T>G (NM_001317196.2); c.2002+2T>G (NM_001317195.3).
Identifiers: ClinVar variation 1492228 (VCV001492228.6), dbSNP rs2152105628, ClinGen allele CA396455857.
Genomic context (GRCh38, chr16:68,691,928, plus strand): 5'-TGGACCCTGGAAGGGAGGTTTCATCCTCCCTGTGCTGGGGGCTGTCCTGGCTCTGCTGTG[T>G]GAGTACCAGGCCCCCACCCCCTCCCTGAGGATGGGGGAGTTGAAAGACTGGATTCTACCT-3'